The following is an entry in ClinVar:

NM_001044385.3(TMEM237):c.586A>T (p.Ile196Leu)

Gene: TMEM237 (transmembrane protein 237; minus strand). Cytogenetic location: 2q33.1.
Variant type: single nucleotide variant.
Coding change: c.586A>T on transcript NM_001044385.3 (MANE Select); coding-DNA position 586, A replaced by T.
Protein change: p.Ile196Leu; replaces isoleucine 196 with leucine.
Molecular consequence: missense variant.
Genome position (GRCh38, 1-based): chr2:201,629,820, T>A on the plus strand (A>T on the coding strand, the complement: TMEM237 is on the minus strand). VCF-style: chr2-201629820-T-A. GRCh37 (hg19) VCF-style: chr2-202494543-T-A.
Other names: c.562A>T, p.Ile188Leu (NM_152388.4); short protein forms I188L, I196L.
Identifiers: ClinVar variation 1403582 (VCV001403582.8), dbSNP rs1202199961, ClinGen allele CA350310770.
Genomic context (GRCh38, chr2:201,629,820, plus strand): 5'-CTCTGGTGGTCCAGGAAGGCTTCACGTCCATTGACACATCTATGTTTTCTGTGGTCTTTA[T>A]CAACTCTGAACGATCAGCAGCCTGGAATCTCCCTAAGAACACATAACGTAATTACTAACA-3'
Protein context (NP_001037850.1, residues 186-206): RFQAADRSEL[Ile196Leu]KTTENIDVSM

ClinVar aggregate classification (germline): Uncertain significance (1 of 4 stars; one submission).

Conditions:
Joubert syndrome 14 (JBTS14). Identifiers: MedGen C3280766, MONDO:0013745, OMIM 614424.

gnomAD v4.1: 2 of 1,613,422 alleles (0.00012%); highest among the groups gnomAD compares: Non-Finnish European, 0.00017%; no homozygotes.

Submission:

Labcorp Genetics (formerly Invitae), Labcorp
Classification: Uncertain significance for Joubert syndrome 14. Last evaluated: 2021-01-29. Review status: criteria provided, single submitter. Criteria: Invitae Variant Classification Sherloc (09022015). Collection method: clinical testing. Allele origin: germline.
Comment: This sequence change replaces isoleucine with leucine at codon 196 of the TMEM237 protein (p.Ile196Leu). The isoleucine residue is highly conserved and there is a small physicochemical difference between isoleucine and leucine. This variant is not present in population databases (ExAC no frequency). In summary, the available evidence is currently insufficient to determine the role of this variant in disease. Therefore, it has been classified as a Variant of Uncertain Significance. Algorithms developed to predict the effect of missense changes on protein structure and function are either unavailable or do not agree on the potential impact of this missense change (SIFT: "Tolerated"; PolyPhen-2: "Probably Damaging"; Align-GVGD: "Class C0"). This variant has not been reported in the literature in individuals with TMEM237-related conditions.